The following is an entry in ClinVar:

NM_003738.5(PTCH2):c.2065G>A (p.Val689Met)

Gene: PTCH2 (patched 2; minus strand). Cytogenetic location: 1p34.1.
Variant type: single nucleotide variant.
Coding change: c.2065G>A on transcript NM_003738.5 (MANE Select); coding-DNA position 2065, G replaced by A.
Protein change: p.Val689Met; replaces valine 689 with methionine.
Molecular consequence: missense variant.
Genome position (GRCh38, 1-based): chr1:44,827,708, C>T on the plus strand (G>A on the coding strand, the complement: PTCH2 is on the minus strand). VCF-style: chr1-44827708-C-T. GRCh37 (hg19) VCF-style: chr1-45293380-C-T.
Other names: c.2065G>A, p.Val689Met (NM_001166292.2); short protein forms V689M.
Identifiers: ClinVar variation 656059 (VCV000656059.10), dbSNP rs748318921, ClinGen allele CA823106.

ClinVar aggregate classification (germline): Uncertain significance. Review status: criteria provided, multiple submitters, no conflicts (2 of 4 stars). 2 submissions from 2 submitters: Uncertain significance (2). Last evaluated 2023-08-24.

Conditions:
Basal cell carcinoma, susceptibility to, 1. Also called: BCC1. Identifiers: MedGen C2751544, MONDO:0011556, OMIM 605462.
Medulloblastoma (MDB). Also called: MEDULLOBLASTOMA PREDISPOSITION SYNDROME; Medulloblastoma, somatic. Identifiers: Orphanet 616, MedGen C0025149, MeSH D008527, MONDO:0007959, OMIM 155255, HP:0002885.
Gorlin syndrome. Also called: Nevoid Basal Cell Carcinoma Syndrome; Basal cell nevus syndrome. Identifiers: Orphanet 377, MedGen C0004779, MONDO:0007187.

Allele frequency attached by ClinVar (database versions not stated): ExAC 0.00003; TOPMed 0.00003; gnomAD exomes 0.00004.
gnomAD v4.1: 191 of 1,610,972 alleles (0.012%); highest among the groups gnomAD compares: Middle Eastern, 0.016%; no homozygotes.

Submissions (2):

Labcorp Genetics (formerly Invitae), Labcorp
Classification: Uncertain significance for Gorlin syndrome. Last evaluated: 2023-08-24. Review status: criteria provided, single submitter. Criteria: Invitae Variant Classification Sherloc (09022015). Collection method: clinical testing. Allele origin: germline.
Comment: This variant has not been reported in the literature in individuals affected with PTCH2-related conditions. This variant is present in population databases (rs748318921, gnomAD 0.006%). This sequence change replaces valine, which is neutral and non-polar, with methionine, which is neutral and non-polar, at codon 689 of the PTCH2 protein (p.Val689Met). ClinVar contains an entry for this variant (Variation ID: 656059). In summary, the available evidence is currently insufficient to determine the role of this variant in disease. Therefore, it has been classified as a Variant of Uncertain Significance. Advanced modeling of protein sequence and biophysical properties (such as structural, functional, and spatial information, amino acid conservation, physicochemical variation, residue mobility, and thermodynamic stability) has been performed at Invitae for this missense variant, however the output from this modeling did not meet the statistical confidence thresholds required to predict the impact of this variant on PTCH2 protein function.

Department of Pathology and Laboratory Medicine, Sinai Health System
Classification: Uncertain significance for Medulloblastoma; Basal cell carcinoma, susceptibility to, 1. Last evaluated: 2021-07-30. Review status: criteria provided, single submitter. Criteria: ACMG Guidelines, 2015. Collection method: research. Allele origin: germline.